The following is an entry in ClinVar:

NM_000429.3(MAT1A):c.925G>C (p.Gly309Arg)

Gene: MAT1A (methionine adenosyltransferase 1A; minus strand). Cytogenetic location: 10q22.3.
Variant type: single nucleotide variant.
Coding change: c.925G>C on transcript NM_000429.3 (MANE Select); coding-DNA position 925, G replaced by C.
Protein change: p.Gly309Arg; replaces glycine 309 with arginine.
Molecular consequence: missense variant.
Genome position (GRCh38, 1-based): chr10:80,275,043, C>G on the plus strand (G>C on the coding strand, the complement: MAT1A is on the minus strand). VCF-style: chr10-80275043-C-G. GRCh37 (hg19) VCF-style: chr10-82034799-C-G.
Other names: short protein forms G309R.
Identifiers: ClinVar variation 2971768 (VCV002971768.3), dbSNP rs1034807701, ClinGen allele CA210322329.

ClinVar aggregate classification (germline): Uncertain significance (1 of 4 stars; one submission).

Conditions:
Hepatic methionine adenosyltransferase deficiency. Also called: MAT I/III DEFICIENCY; Methionine adenosyltransferase deficiency; Isolated Persistent Hypermethioninemia; Deficiency of methionine adenosyltransferase. Identifiers: Orphanet 168598, MedGen C0268621, MeSH C564683, MONDO:0009607, OMIM 250850.

Allele frequency attached by ClinVar (database versions not stated): TOPMed 0.00003; gnomAD exomes below 0.00001; gnomAD 0.00003.
gnomAD v4.1: 8 of 1,559,404 alleles (0.00051%); highest among the groups gnomAD compares: African/African-American, 0.0068%; no homozygotes.

Submission:

Labcorp Genetics (formerly Invitae), Labcorp
Classification: Uncertain significance for Hepatic methionine adenosyltransferase deficiency. Last evaluated: 2025-06-02. Review status: criteria provided, single submitter. Criteria: Invitae Variant Classification Sherloc (09022015). Collection method: clinical testing. Allele origin: germline.
Comment: This sequence change replaces glycine, which is neutral and non-polar, with arginine, which is basic and polar, at codon 309 of the MAT1A protein (p.Gly309Arg). This variant is present in population databases (no rsID available, gnomAD 0.01%). This variant has not been reported in the literature in individuals affected with MAT1A-related conditions. ClinVar contains an entry for this variant (Variation ID: 2971768). Invitae Evidence Modeling of protein sequence and biophysical properties (such as structural, functional, and spatial information, amino acid conservation, physicochemical variation, residue mobility, and thermodynamic stability) indicates that this missense variant is not expected to disrupt MAT1A protein function with a negative predictive value of 80%. In summary, the available evidence is currently insufficient to determine the role of this variant in disease. Therefore, it has been classified as a Variant of Uncertain Significance.